The following is an entry in ClinVar:

NM_000465.4(BARD1):c.1619A>G (p.Lys540Arg)

Gene: BARD1 (BRCA1 associated RING domain 1; minus strand). Cytogenetic location: 2q35.
Variant type: single nucleotide variant.
Coding change: c.1619A>G on transcript NM_000465.4 (MANE Select); coding-DNA position 1619, A replaced by G.
Protein change: p.Lys540Arg; replaces lysine 540 with arginine.
Molecular consequence: missense variant. On other transcripts: non-coding transcript variant (3), intron variant (1).
Genome position (GRCh38, 1-based): chr2:214,752,505, T>C on the plus strand (A>G on the coding strand, the complement: BARD1 is on the minus strand). VCF-style: chr2-214752505-T-C. GRCh37 (hg19) VCF-style: chr2-215617229-T-C.
Other names: c.1562A>G, p.Lys521Arg (NM_001282543.2); c.266A>G, p.Lys89Arg (NM_001282545.2); c.209A>G, p.Lys70Arg (NM_001282548.2); c.365-21997A>G (NM_001282549.2); short protein forms K89R, K521R, K540R, K70R.
Identifiers: ClinVar variation 1776549 (VCV001776549.3), dbSNP rs2469378426, ClinGen allele CA350454820.

ClinVar aggregate classification (germline): Uncertain significance (1 of 4 stars; one submission).

Conditions:
Hereditary cancer-predisposing syndrome. Also called: Neoplastic Syndromes, Hereditary; Tumor predisposition; Hereditary Cancer Syndrome; Hereditary neoplastic syndrome. Identifiers: Orphanet 140162, MedGen C0027672, MeSH D009386, MONDO:0015356.

Submission:

Ambry Genetics
Classification: Uncertain significance for Hereditary cancer-predisposing syndrome. Last evaluated: 2025-08-04. Review status: criteria provided, single submitter. Criteria: Ambry Variant Classification Scheme 2023. Collection method: clinical testing. Allele origin: germline.
Comment: The p.K540R variant (also known as c.1619A>G), located in coding exon 7 of the BARD1 gene, results from an A to G substitution at nucleotide position 1619. The lysine at codon 540 is replaced by arginine, an amino acid with highly similar properties. This amino acid position is conserved. In addition, this alteration is predicted to be tolerated by in silico analysis. Since supporting evidence is limited at this time, the clinical significance of this alteration remains unclear.